The following is an entry in ClinVar:

NM_144997.7(FLCN):c.1128G>C (p.Trp376Cys)

Gene: FLCN (folliculin; minus strand). Cytogenetic location: 17p11.2.
Variant type: single nucleotide variant.
Coding change: c.1128G>C on transcript NM_144997.7 (MANE Select); coding-DNA position 1128, G replaced by C.
Protein change: p.Trp376Cys; replaces tryptophan 376 with cysteine.
Molecular consequence: missense variant.
Genome position (GRCh38, 1-based): chr17:17,217,117, C>G on the plus strand (G>C on the coding strand, the complement: FLCN is on the minus strand). VCF-style: chr17-17217117-C-G. GRCh37 (hg19) VCF-style: chr17-17120431-C-G.
Other names: c.1182G>C, p.Trp394Cys (NM_001353229.2); c.1128G>C, p.Trp376Cys (NM_001353230.2, NM_001353231.2); short protein forms W376C, W394C.
Identifiers: ClinVar variation 2867770 (VCV002867770.4), dbSNP rs2046950183, ClinGen allele CA398532267.

ClinVar aggregate classification (germline): Uncertain significance. Review status: criteria provided, multiple submitters, no conflicts (2 of 4 stars). 2 submissions from 2 submitters: Uncertain significance (2). Last evaluated 2026-07-06.

Conditions:
Birt-Hogg-Dube syndrome. Also called: Birt Hogg Dubé syndrome. Identifiers: Orphanet 122, MedGen C0346010, MONDO:0800444.
Hereditary cancer-predisposing syndrome. Also called: Hereditary Cancer Syndrome; Hereditary neoplastic syndrome; Neoplastic Syndromes, Hereditary; Tumor predisposition. Identifiers: Orphanet 140162, MedGen C0027672, MeSH D009386, MONDO:0015356.

Submissions (2):

Ambry Genetics
Classification: Uncertain significance for Hereditary cancer-predisposing syndrome. Last evaluated: 2026-07-06. Review status: criteria provided, single submitter. Criteria: Ambry Variant Classification Scheme 2023. Collection method: clinical testing. Allele origin: germline.
Comment: The p.W376C variant (also known as c.1128G>C), located in coding exon 7 of the FLCN gene, results from a G to C substitution at nucleotide position 1128. The tryptophan at codon 376 is replaced by cysteine, an amino acid with highly dissimilar properties. This amino acid position is conserved. In addition, this alteration is predicted to be deleterious by in silico analysis. Based on the available evidence, the clinical significance of this variant remains unclear.

Labcorp Genetics (formerly Invitae), Labcorp
Classification: Uncertain significance for Birt-Hogg-Dube syndrome. Last evaluated: 2023-08-10. Review status: criteria provided, single submitter. Criteria: Invitae Variant Classification Sherloc (09022015). Collection method: clinical testing. Allele origin: germline.
Comment: In summary, the available evidence is currently insufficient to determine the role of this variant in disease. Therefore, it has been classified as a Variant of Uncertain Significance. Advanced modeling of protein sequence and biophysical properties (such as structural, functional, and spatial information, amino acid conservation, physicochemical variation, residue mobility, and thermodynamic stability) performed at Invitae indicates that this missense variant is not expected to disrupt FLCN protein function. This variant has not been reported in the literature in individuals affected with FLCN-related conditions. This variant is not present in population databases (gnomAD no frequency). This sequence change replaces tryptophan, which is neutral and slightly polar, with cysteine, which is neutral and slightly polar, at codon 376 of the FLCN protein (p.Trp376Cys).